The following is an entry in ClinVar:

ClinVar aggregate classification (germline): Pathogenic (1 of 4 stars; one submission).

Conditions:
DICER1-related tumor predisposition. Also called: DICER1-related pleuropulmonary blastoma cancer predisposition syndrome; DICER1 syndrome. Identifiers: Orphanet 284343, MedGen C3839822, MONDO:0100216.

Allele frequency attached by ClinVar (database versions not stated): gnomAD exomes below 0.00001; ExAC 0.00001.

Submission:

Foulkes Cancer Genetics LDI, Lady Davis Institute for Medical Research
Classification: Pathogenic for Pleuropulmonary blastoma. Last evaluated: 2019-07-01. Review status: criteria provided, single submitter. Criteria: ACMG Guidelines, 2015. Collection method: curation. Allele origin: somatic, unknown. Affected: yes. Observed: 7 variant alleles.
Comment: ACMG criteria met: PS3, PM1, PM2, PM7, PP3, PP4, BP1

Literature cited by the submitters: PubMed 22187960; PubMed 24909261; PubMed 28825729; PubMed 29538609.

NM_177438.3(DICER1):c.5428G>A (p.Asp1810Asn)

Gene: DICER1 (dicer 1, ribonuclease III; minus strand). Cytogenetic location: 14q32.13.
Variant type: single nucleotide variant.
Coding change: c.5428G>A on transcript NM_177438.3 (MANE Select); coding-DNA position 5428, G replaced by A.
Protein change: p.Asp1810Asn; replaces aspartic acid 1810 with asparagine.
Molecular consequence: missense variant. On other transcripts: intron variant (1).
Genome position (GRCh38, 1-based): chr14:95,091,302, C>T on the plus strand (G>A on the coding strand, the complement: DICER1 is on the minus strand). VCF-style: chr14-95091302-C-T. GRCh37 (hg19) VCF-style: chr14-95557639-C-T.
Other names: c.5428G>A, p.Asp1810Asn (NM_001271282.3, NM_001291628.2, NM_030621.4); c.5365-193G>A (NM_001195573.1); short protein forms D1810N.
Identifiers: ClinVar variation 933082 (VCV000933082.3), dbSNP rs775912475, ClinGen allele CA7330663.